The following is an entry in ClinVar:

ClinVar aggregate classification (germline): Likely pathogenic. Review status: criteria provided, multiple submitters, no conflicts (2 of 4 stars). 2 submissions from 2 submitters: Likely pathogenic (2). Last evaluated 2025-10-18.

Conditions:
Breast-ovarian cancer, familial, susceptibility to, 1 (BROVCA1). Also called: BRCA1 Hereditary Breast and Ovarian Cancer; OVARIAN CANCER, SUSCEPTIBILITY TO. Identifiers: Orphanet 145, MedGen C2676676, MONDO:0011450, OMIM 604370. Disease mechanism: loss of function.
Hereditary cancer-predisposing syndrome. Also called: Neoplastic Syndromes, Hereditary; Tumor predisposition; Hereditary Cancer Syndrome; Hereditary neoplastic syndrome. Identifiers: Orphanet 140162, MedGen C0027672, MeSH D009386, MONDO:0015356.

Submissions (2):

Ambry Genetics
Classification: Likely pathogenic for Hereditary cancer-predisposing syndrome. Last evaluated: 2025-10-18. Review status: criteria provided, single submitter. Criteria: Ambry Variant Classification Scheme 2023. Collection method: clinical testing. Allele origin: germline.
Comment: The c.547+2delT intronic variant, located in intron 6 of the BRCA1 gene, results from a deletion of one nucleotide within intron 6 of the BRCA1 gene. This nucleotide position is highly conserved in available vertebrate species. In silico splice site analysis predicts that this alteration will weaken the native splice donor site. RNA studies have demonstrated that this alteration results in abnormal splicing in the set of samples tested (Ambry internal data). This variant is considered to be rare based on population cohorts in the Genome Aggregation Database (gnomAD). Alterations that disrupt the canonical splice site are expected to cause aberrant splicing, resulting in an abnormal protein or a transcript that is subject to nonsense-mediated mRNA decay. Based on the majority of available evidence to date, this variant is likely to be pathogenic.

Molecular Pathology, Peter Maccallum Cancer Centre
Classification: Likely pathogenic for Breast-ovarian cancer, familial, susceptibility to, 1. Last evaluated: 2024-12-12. Review status: criteria provided, single submitter. Criteria: ACMG Guidelines, 2015. Collection method: clinical testing. Allele origin: germline. Inheritance: Autosomal dominant inheritance.

NM_007294.4(BRCA1):c.547+2del

Gene: BRCA1 (BRCA1 DNA repair associated; minus strand). Cytogenetic location: 17q21.31.
Variant type: Deletion.
Coding change: c.547+2del on transcript NM_007294.4 (MANE Select); the canonical splice donor site of the intron after coding-DNA position 547, one base deleted (T; older notation c.547+2delT).
Molecular consequence: splice donor variant. On other transcripts: intron variant (2).
Genome position (GRCh38, 1-based): chr17:43,099,773, A deleted on the plus strand (T on the coding strand, the reverse complement: BRCA1 is on the minus strand). VCF-style (leftmost placement, unchanged base first): chr17-43099772-TA-T. GRCh37 (hg19) VCF-style: chr17-41251789-TA-T.
Other names: c.547+2del (NM_001407593.1, NM_001408442.1, NM_001408426.1 and 96 more transcripts); c.406+2del (NM_001408410.1, NM_001408496.1, NM_001407929.1 and 61 more transcripts); c.403+2del (NM_001407741.1, NM_001407936.1, NM_001407849.1 and 35 more transcripts); c.469+2del (NM_001408415.1, NM_001408476.1, NM_001408474.1 and 12 more transcripts); c.337+2del (NM_001408483.1, NM_001408502.1, NM_001407951.1 and 37 more transcripts); c.544+2del (NM_001407634.1, NM_001407610.1, NM_001408445.1 and 65 more transcripts); c.466+2del (NM_001408413.1, NM_001407660.1, NM_001407661.1 and 6 more transcripts); c.334+2del (NM_001407958.1, NM_001407955.1, NM_001408493.1 and 18 more transcripts); and 5 more.
Identifiers: ClinVar variation 3481820 (VCV003481820.3).